The following is an entry in ClinVar:

NM_000492.4(CFTR):c.2787G>A (p.Met929Ile)

Gene: CFTR (CF transmembrane conductance regulator; plus strand). Cytogenetic location: 7q31.2.
Variant type: single nucleotide variant.
Coding change: c.2787G>A on transcript NM_000492.4 (MANE Select); coding-DNA position 2787, G replaced by A.
Protein change: p.Met929Ile; replaces methionine 929 with isoleucine.
Molecular consequence: missense variant.
Genome position (GRCh38, 1-based): chr7:117,603,661, G>A. VCF-style: chr7-117603661-G-A. GRCh37 (hg19) VCF-style: chr7-117243715-G-A.
Other names: short protein forms M929I.
Identifiers: ClinVar variation 2453638 (VCV002453638.2), dbSNP rs2485122096, ClinGen allele CA368986843.
Genomic context (GRCh38, chr7:117,603,661, plus strand): 5'-CACCAGTTCGTATTATGTGTTTTACATTTACGTGGGAGTAGCCGACACTTTGCTTGCTAT[G>A]GGATTCTTCAGAGGTCTACCACTGGTGCATACTCTAATCACAGTGTCGAAAATTTTACAC-3'
Protein context (NP_000483.3, residues 919-939): YVGVADTLLA[Met929Ile]GFFRGLPLVH

ClinVar aggregate classification (germline): Uncertain significance (1 of 4 stars; one submission).

Conditions:
Cystic fibrosis (CF). Also called: MUCOVISCIDOSIS. Identifiers: Orphanet 586, MedGen C0010674, MONDO:0009061, OMIM 219700. Disease mechanism: loss of function.

Submission:

Ambry Genetics
Classification: Uncertain significance for Cystic fibrosis. Last evaluated: 2023-01-11. Review status: criteria provided, single submitter. Criteria: Ambry Variant Classification Scheme 2023. Collection method: clinical testing. Allele origin: germline.
Comment: The p.M929I variant (also known as c.2787G>A), located in coding exon 17 of the CFTR gene, results from a G to A substitution at nucleotide position 2787. The methionine at codon 929 is replaced by isoleucine, an amino acid with highly similar properties. This amino acid position is conserved. In addition, the in silico prediction for this alteration is inconclusive. Since supporting evidence is limited at this time, the clinical significance of this alteration remains unclear.